The following is an entry in ClinVar:

NM_022455.5(NSD1):c.6520T>G (p.Phe2174Val)

Gene: NSD1 (nuclear receptor binding SET domain protein 1; plus strand). Cytogenetic location: 5q35.3.
Variant type: single nucleotide variant.
Coding change: c.6520T>G on transcript NM_022455.5 (MANE Select); coding-DNA position 6520, T replaced by G.
Protein change: p.Phe2174Val; replaces phenylalanine 2174 with valine.
Molecular consequence: missense variant.
Genome position (GRCh38, 1-based): chr5:177,293,888, T>G. VCF-style: chr5-177293888-T-G. GRCh37 (hg19) VCF-style: chr5-176720889-T-G.
Other names: c.5647T>G, p.Phe1883Val (NM_001365684.2, NM_001409308.1, NM_172349.5); c.6520T>G, p.Phe2174Val (NM_001409301.1, NM_001409302.1, NM_001409303.1); c.6100T>G, p.Phe2034Val (NM_001409304.1); c.5767T>G, p.Phe1923Val (NM_001409305.1); c.5758T>G, p.Phe1920Val (NM_001409306.1, NM_001409307.1); c.5398T>G, p.Phe1800Val (NM_001409309.1); short protein forms F1800V, F1883V, F1920V, F1923V, F2034V, F2174V.
Identifiers: ClinVar variation 3908001 (VCV003908001.1).
Genomic context (GRCh38, chr5:177,293,888, plus strand): 5'-TCAGGGAAATGGGAATGTCCGTGGCATCAGTGTGACATCTGCGGGAAGGAAGCAGCCTCC[T>G]TCTGTGAGATGTGCCCCAGCTCCTTTTGTAAGCAGCATCGAGAAGGGATGCTTTTCATTT-3'
Protein context (NP_071900.2, residues 2164-2184): CDICGKEAAS[Phe2174Val]CEMCPSSFCK

ClinVar aggregate classification (germline): Uncertain significance (1 of 4 stars; one submission).

Submission:

GeneDx
Classification: Uncertain significance. Last evaluated: 2024-12-24. Review status: criteria provided, single submitter. Criteria: GeneDx Variant Classification Process June 2021. Collection method: clinical testing. Allele origin: germline. Affected: yes.
Comment: Not observed at significant frequency in large population cohorts (gnomAD); In silico analysis supports that this missense variant has a deleterious effect on protein structure/function; Has not been previously published as pathogenic or benign to our knowledge